The following is an entry in ClinVar:

NM_001204.7(BMPR2):c.1549del (p.Thr517fs)

Gene: BMPR2 (bone morphogenetic protein receptor type 2; plus strand). Cytogenetic location: 2q33.2.
Variant type: Deletion.
Coding change: c.1549del on transcript NM_001204.7 (MANE Select); coding-DNA position 1549, one base deleted (A; older notation c.1549delA).
Protein change: p.Thr517fs; shifts the reading frame from threonine 517.
Molecular consequence: frameshift variant.
Genome position (GRCh38, 1-based): chr2:202,552,851, A deleted; the last of 2 consecutive A bases (chr2:202,552,850-202,552,851); deleting either gives the same sequence. VCF-style (leftmost placement, unchanged base first): chr2-202552849-CA-C. GRCh37 (hg19) VCF-style: chr2-203417572-CA-C.
Other names: short protein forms T517fs.
Identifiers: ClinVar variation 1916235 (VCV001916235.5), dbSNP rs2468738276, ClinGen allele CA2580065454.
Genomic context (GRCh38, chr2:202,552,849, plus strand): 5'-GTGCTGAGGAAAGGATGGCTGAACTTATGATGATTTGGGAAAGAAACAAATCTGTGAGCC[CA>C]ACAGTCAATCCAATGTCTACTGCTATGCAGAATGAACGGTAAGACCCTAAGGGGTGTGGC-3'

ClinVar aggregate classification (germline): Pathogenic (1 of 4 stars; one submission).

Conditions:
Primary pulmonary hypertension. Also called: Idiopathic pulmonary hypertension. Identifiers: MedGen C0152171.

Submission:

Labcorp Genetics (formerly Invitae), Labcorp
Classification: Pathogenic for Primary pulmonary hypertension. Last evaluated: 2022-04-18. Review status: criteria provided, single submitter. Criteria: Invitae Variant Classification Sherloc (09022015). Collection method: clinical testing. Allele origin: germline.
Comment: This sequence change creates a premature translational stop signal (p.Thr517Glnfs*47) in the BMPR2 gene. It is expected to result in an absent or disrupted protein product. Loss-of-function variants in BMPR2 are known to be pathogenic (PMID: 16429395). This variant is not present in population databases (gnomAD no frequency). This premature translational stop signal has been observed in individual(s) with pulmonary arterial hypertension (PMID: 31727138). For these reasons, this variant has been classified as Pathogenic.

Literature cited by the submitters: PubMed 16429395; PubMed 31727138.